The following is an entry in ClinVar:

NM_001005242.3(PKP2):c.958A>G (p.Thr320Ala)

Gene: PKP2 (plakophilin 2; minus strand). Cytogenetic location: 12p11.21.
Variant type: single nucleotide variant.
Coding change: c.958A>G on transcript NM_001005242.3 (MANE Select); coding-DNA position 958, A replaced by G.
Protein change: p.Thr320Ala; replaces threonine 320 with alanine.
Molecular consequence: missense variant.
Genome position (GRCh38, 1-based): chr12:32,877,922, T>C on the plus strand (A>G on the coding strand, the complement: PKP2 is on the minus strand). VCF-style: chr12-32877922-T-C. GRCh37 (hg19) VCF-style: chr12-33030856-T-C.
Other names: c.958A>G, p.Thr320Ala (NM_004572.4); short protein forms T320A.
Identifiers: ClinVar variation 1429364 (VCV001429364.9), dbSNP rs879225885, ClinGen allele CA235265883.

ClinVar aggregate classification (germline): Uncertain significance. Review status: criteria provided, multiple submitters, no conflicts (2 of 4 stars). 2 submissions from 2 submitters: Uncertain significance (2). Last evaluated 2025-07-29.

Conditions:
Arrhythmogenic right ventricular dysplasia 9 (ARVD9). Also called: Arrhythmogenic Right Ventricular Dysplasia/Cardiomyopathy 9; ARRHYTHMOGENIC RIGHT VENTRICULAR DYSPLASIA, FAMILIAL, 9. Identifiers: MedGen C1836906, MONDO:0012180, OMIM 609040.

Allele frequency attached by ClinVar (database versions not stated): gnomAD 0.00001; TOPMed 0.00001.
gnomAD v4.1: 2 of 1,614,006 alleles (0.00012%); highest among the groups gnomAD compares: African/African-American, 0.0027%; no homozygotes.

Submissions (2):

Labcorp Genetics (formerly Invitae), Labcorp
Classification: Uncertain significance for Arrhythmogenic right ventricular dysplasia 9. Last evaluated: 2025-07-29. Review status: criteria provided, single submitter. Criteria: Invitae Variant Classification Sherloc (09022015). Collection method: clinical testing. Allele origin: germline.
Comment: This sequence change replaces threonine, which is neutral and polar, with alanine, which is neutral and non-polar, at codon 320 of the PKP2 protein (p.Thr320Ala). This variant is not present in population databases (gnomAD no frequency). This variant has not been reported in the literature in individuals affected with PKP2-related conditions. ClinVar contains an entry for this variant (Variation ID: 1429364). An algorithm developed to predict the effect of missense changes on protein structure and function (PolyPhen-2) suggests that this variant is likely to be disruptive. In summary, the available evidence is currently insufficient to determine the role of this variant in disease. Therefore, it has been classified as a Variant of Uncertain Significance.

ARUP Laboratories, Molecular Genetics and Genomics, ARUP Laboratories
Classification: Uncertain significance for Arrhythmogenic right ventricular dysplasia 9. Last evaluated: 2025-03-25. Review status: criteria provided, single submitter. Criteria: ARUP Molecular Germline Variant Investigation Process 2024. Collection method: clinical testing. Allele origin: germline.
Comment: The PKP2 c.958A>G; p.Thr320Ala variant (rs879225885), to our knowledge, is not reported in the medical literature but is reported in ClinVar (Variation ID: 1429364). This variant is absent from the Genome Aggregation Database (v2.1.1), indicating it is not a common polymorphism. Computational analyses are uncertain whether this variant is neutral or deleterious (REVEL: 0.299). Due to limited information, the clinical significance of this variant is uncertain at this time.